The following is an entry in ClinVar:

ClinVar aggregate classification (germline): Uncertain significance (1 of 4 stars; one submission).

Conditions:
Hereditary cancer-predisposing syndrome. Also called: Neoplastic Syndromes, Hereditary; Tumor predisposition; Hereditary neoplastic syndrome; Hereditary Cancer Syndrome. Identifiers: Orphanet 140162, MedGen C0027672, MeSH D009386, MONDO:0015356.

Submission:

Ambry Genetics
Classification: Uncertain significance for Hereditary cancer-predisposing syndrome. Last evaluated: 2022-12-26. Review status: criteria provided, single submitter. Criteria: Ambry Variant Classification Scheme 2023. Collection method: clinical testing. Allele origin: germline.
Comment: The p.F181L variant (also known as c.541T>C), located in coding exon 7 of the BAP1 gene, results from a T to C substitution at nucleotide position 541. The phenylalanine at codon 181 is replaced by leucine, an amino acid with highly similar properties. This amino acid position is conserved. In addition, this alteration is predicted to be deleterious by in silico analysis. Since supporting evidence is limited at this time, the clinical significance of this alteration remains unclear.

NM_004656.4(BAP1):c.541T>C (p.Phe181Leu)

Gene: BAP1 (BRCA1 associated deubiquitinase 1; minus strand). Cytogenetic location: 3p21.1.
Variant type: single nucleotide variant.
Coding change: c.541T>C on transcript NM_004656.4 (MANE Select); coding-DNA position 541, T replaced by C.
Protein change: p.Phe181Leu; replaces phenylalanine 181 with leucine.
Molecular consequence: missense variant.
Genome position (GRCh38, 1-based): chr3:52,407,213, A>G on the plus strand (T>C on the coding strand, the complement: BAP1 is on the minus strand). VCF-style: chr3-52407213-A-G. GRCh37 (hg19) VCF-style: chr3-52441229-A-G.
Other names: c.541T>C, p.Phe181Leu (NM_001410772.1); short protein forms F181L.
Identifiers: ClinVar variation 2450432 (VCV002450432.2), dbSNP rs2153227798, ClinGen allele CA353109707.